The following is an entry in ClinVar:

NM_003108.4(SOX11):c.191G>T (p.Arg64Leu)

Gene: SOX11 (SRY-box transcription factor 11; plus strand). Cytogenetic location: 2p25.2.
Variant type: single nucleotide variant.
Coding change: c.191G>T on transcript NM_003108.4 (MANE Select); coding-DNA position 191, G replaced by T.
Protein change: p.Arg64Leu; replaces arginine 64 with leucine.
Molecular consequence: missense variant.
Genome position (GRCh38, 1-based): chr2:5,692,912, G>T. VCF-style: chr2-5692912-G-T. GRCh37 (hg19) VCF-style: chr2-5833044-G-T.
Other names: short protein forms R64L.
Identifiers: ClinVar variation 2443015 (VCV002443015.1), dbSNP rs2103276364, ClinGen allele CA345866147.

ClinVar aggregate classification (germline): Likely pathogenic (1 of 4 stars; one submission).

Conditions:
Intellectual developmental disorder with microcephaly and with or without ocular malformations or hypogonadotropic hypogonadism. Also called: Intellectual disability, autosomal dominant 27; Coffin-Siris Syndrome 9. Identifiers: Orphanet 1465, MedGen C4014528, MONDO:0014376, OMIM 615866.

Submission:

SIB Swiss Institute of Bioinformatics
Classification: Likely pathogenic for Intellectual developmental disorder with microcephaly and with or without ocular malformations or hypogonadotropic hypogonadism. Last evaluated: 2023-03-09. Review status: criteria provided, single submitter. Criteria: ACMG Guidelines, 2015. Collection method: curation. Allele origin: unknown.
Comment: This variant is interpreted as likely pathogenic for Intellectual developmental disorder with microcephaly and with or without ocular malformations or hypogonadotropic hypogonadism, autosomal dominant. The following ACMG Tag(s) were applied: Absent from controls (or at extremely low frequency if recessive) in Exome Sequencing Project, 1000 Genomes Project, or Exome Aggregation Consortium (PM2); De novo paternity and maternity not confirmed (PM6); Located in a mutational hot spot and/or critical and well-established functional domain (e.g., active site of an enzyme) without benign variation (PM1); Novel missense change at an amino acid residue where a different missense change determined to be pathogenic has been seen before (PM5); Multiple lines of computational evidence support a deleterious effect on the gene or gene product (PP3).

Literature cited by the submitters: PubMed 35341651.